The following is an entry in ClinVar:

ClinVar aggregate classification (germline): Uncertain significance. Review status: criteria provided, multiple submitters, no conflicts (2 of 4 stars). 3 submissions from 3 submitters: Uncertain significance (3). Last evaluated 2024-04-09.

Conditions:
Primary ciliary dyskinesia 10. Also called: CILIARY DYSKINESIA, PRIMARY, 10, WITH OR WITHOUT SITUS INVERSUS. Identifiers: Orphanet 244, MedGen C2675867, MONDO:0012918, OMIM 612518.
Primary ciliary dyskinesia. Also called: Ciliary dyskinesia. Identifiers: Orphanet 244, MedGen C0008780, MONDO:0016575, HP:0012265.

Allele frequency attached by ClinVar (database versions not stated): ExAC 0.00002; gnomAD 0.00002.
gnomAD v4.1: 35 of 1,613,908 alleles (0.0022%); highest among the groups gnomAD compares: Non-Finnish European, 0.0029%; no homozygotes.

Submissions (3):

Ambry Genetics
Classification: Uncertain significance for Primary ciliary dyskinesia. Last evaluated: 2024-04-09. Review status: criteria provided, single submitter. Criteria: Ambry Variant Classification Scheme 2023. Collection method: clinical testing. Allele origin: germline.

Labcorp Genetics (formerly Invitae), Labcorp
Classification: Uncertain significance for Primary ciliary dyskinesia. Last evaluated: 2022-08-10. Review status: criteria provided, single submitter. Criteria: Invitae Variant Classification Sherloc (09022015). Collection method: clinical testing. Allele origin: germline.
Comment: This sequence change replaces arginine, which is basic and polar, with tryptophan, which is neutral and slightly polar, at codon 542 of the DNAAF2 protein (p.Arg542Trp). This variant is present in population databases (rs201615253, gnomAD 0.004%). This variant has not been reported in the literature in individuals affected with DNAAF2-related conditions. ClinVar contains an entry for this variant (Variation ID: 313278). Algorithms developed to predict the effect of missense changes on protein structure and function output the following: SIFT: "Tolerated"; PolyPhen-2: "Benign"; Align-GVGD: "Class C0". The tryptophan amino acid residue is found in multiple mammalian species, which suggests that this missense change does not adversely affect protein function. In summary, the available evidence is currently insufficient to determine the role of this variant in disease. Therefore, it has been classified as a Variant of Uncertain Significance.

Illumina Laboratory Services, Illumina
Classification: Uncertain significance for Primary ciliary dyskinesia 10. Last evaluated: 2018-01-12. Review status: criteria provided, single submitter. Criteria: ICSL Variant Classification Criteria 13 December 2019. Collection method: clinical testing. Allele origin: germline.

NM_018139.3(DNAAF2):c.1624C>T (p.Arg542Trp)

Gene: DNAAF2 (dynein axonemal assembly factor 2; minus strand). Cytogenetic location: 14q21.3.
Variant type: single nucleotide variant.
Coding change: c.1624C>T on transcript NM_018139.3 (MANE Select); coding-DNA position 1624, C replaced by T.
Protein change: p.Arg542Trp; replaces arginine 542 with tryptophan.
Molecular consequence: missense variant. On other transcripts: 5 prime UTR variant (1).
Genome position (GRCh38, 1-based): chr14:49,633,526, G>A on the plus strand (C>T on the coding strand, the complement: DNAAF2 is on the minus strand). VCF-style: chr14-49633526-G-A. GRCh37 (hg19) VCF-style: chr14-50100244-G-A.
Other names: c.1624C>T, p.Arg542Trp (NM_001083908.2); c.-248C>T (NM_001378453.1); short protein forms R542W.
Identifiers: ClinVar variation 313278 (VCV000313278.8), dbSNP rs201615253, ClinGen allele CA7172864.